The following is an entry in ClinVar:

ClinVar aggregate classification (germline): Uncertain significance (1 of 4 stars; one submission).

Conditions:
Cardiovascular phenotype. Identifiers: MedGen CN230736.

Submission:

Ambry Genetics
Classification: Uncertain significance for Cardiovascular phenotype. Last evaluated: 2025-02-06. Review status: criteria provided, single submitter. Criteria: Ambry Variant Classification Scheme 2023. Collection method: clinical testing. Allele origin: germline.
Comment: The p.Q192H variant (also known as c.576A>C), located in coding exon 4 of the RAF1 gene, results from an A to C substitution at nucleotide position 576. The glutamine at codon 192 is replaced by histidine, an amino acid with highly similar properties. This amino acid position is conserved. In addition, the in silico prediction for this alteration is inconclusive. Based on the available evidence, the clinical significance of this variant remains unclear.

NM_002880.4(RAF1):c.576A>C (p.Gln192His)

Gene: RAF1 (Raf-1 proto-oncogene, serine/threonine kinase; minus strand). Cytogenetic location: 3p25.2.
Variant type: single nucleotide variant.
Coding change: c.576A>C on transcript NM_002880.4 (MANE Select); coding-DNA position 576, A replaced by C.
Protein change: p.Gln192His; replaces glutamine 192 with histidine.
Molecular consequence: missense variant. On other transcripts: non-coding transcript variant (3).
Genome position (GRCh38, 1-based): chr3:12,608,771, T>G on the plus strand (A>C on the coding strand, the complement: RAF1 is on the minus strand). VCF-style: chr3-12608771-T-G. GRCh37 (hg19) VCF-style: chr3-12650270-T-G.
Other names: c.576A>C, p.Gln192His (NM_001354689.3, NM_001354690.3, NM_001354693.3); c.333A>C, p.Gln111His (NM_001354691.3, NM_001354692.3, NM_001354694.3 and 1 more transcripts); short protein forms Q111H, Q192H.
Identifiers: ClinVar variation 3786598 (VCV003786598.1).